The following is an entry in ClinVar:

ClinVar aggregate classification (germline): Uncertain significance (1 of 4 stars; one submission).

Conditions:
Focal segmental glomerulosclerosis 5 (FSGS5). Identifiers: Orphanet 656, MedGen C2750475, MONDO:0013191, OMIM 613237.

Submission:

Victorian Clinical Genetics Services, Murdoch Childrens Research Institute
Classification: Uncertain significance for Focal segmental glomerulosclerosis 5. Last evaluated: 2026-01-14. Review status: criteria provided, single submitter. Criteria: ACMG Guidelines, 2015. Collection method: clinical testing. Allele origin: germline. Affected: yes.
Comment: This variant is classified as VUS-3B. Evidence in support of pathogenic classification: Variant is predicted to result in a truncated protein (premature termination codon is NOT located at least 54 nucleotides upstream of the final exon-exon junction) with less than 1/3 of the protein sequence affected; Variant is absent from gnomAD (v2, v3 and v4). Additional information: This variant is non-coding in multiple isoforms. It is coding in the canonical MANE Select transcript, however no pathogenic/likely pathogenic variants have been reported in this exon (ClinVar). This exon's splice junction is well expressed in isoforms that both include and exclude this exon (GTEx); This variant is heterozygous; This gene is associated with autosomal dominant disease; Alternative protein truncating variant(s) are present in gnomAD (highest allele count: v4: 34 heterozygote(s), 1 homozygote(s)); This variant has no previous evidence of pathogenicity; No published evidence of segregation with disease has been identified for this variant; No published functional evidence has been identified for this variant; Other truncating variant(s) comparable to the one identified in this case have inconclusive previous evidence for pathogenicity. Multiple downstream truncating variants have been classified as VUS by clinical laboratories in ClinVar, as well as one classified as likely benign. p.(Thr1242Argfs*5) has been reported in the literature in an individual with transthyretin amyloidosis who also has a causative TTR variant (PMID: 36624082); The mechanism of disease for this gene is not clearly established. However, both loss of function and gain of function have been suggested (PMID: 32451589); The condition associated with this gene has incomplete penetrance (PMID: 32451589); Inheritance information for this variant is not currently available in this individual.

Literature cited by the submitters: PubMed 36624082; PubMed 32451589.

NM_022489.4(INF2):c.3697_3698insGAAG (p.Val1233fs)

Gene: INF2 (inverted formin 2; plus strand). Cytogenetic location: 14q32.33.
Variant type: Insertion.
Coding change: c.3697_3698insGAAG on transcript NM_022489.4 (MANE Select); coding-DNA positions 3697 to 3698, GAAG inserted.
Protein change: p.Val1233fs; shifts the reading frame from valine 1233.
Molecular consequence: frameshift variant. On other transcripts: non-coding transcript variant (1), intron variant (3).
Genome position: GRCh38 VCF-style: chr14-104715285-G-GGGAA. GRCh37 (hg19) VCF-style: chr14-105181622-G-GGGAA.
Other names: c.3697_3698insGAAG, p.Val1233fs (NM_001426863.1, NM_001426864.1); c.3694+430_3694+431insGAAG (NM_001426865.1, NM_001426862.1, NM_001031714.4); short protein forms V1233fs.
Identifiers: ClinVar variation 4819074 (VCV004819074.1).